The following is an entry in ClinVar:

NM_006005.3(WFS1):c.880C>G (p.His294Asp)

Gene: WFS1 (wolframin ER transmembrane glycoprotein; plus strand). Cytogenetic location: 4p16.1.
Variant type: single nucleotide variant.
Coding change: c.880C>G on transcript NM_006005.3 (MANE Select); coding-DNA position 880, C replaced by G.
Protein change: p.His294Asp; replaces histidine 294 with aspartic acid.
Molecular consequence: missense variant.
Genome position (GRCh38, 1-based): chr4:6,300,675, C>G. VCF-style: chr4-6300675-C-G. GRCh37 (hg19) VCF-style: chr4-6302402-C-G.
Other names: c.880C>G, p.His294Asp (NM_001145853.1); short protein forms H294D.
Identifiers: ClinVar variation 2735327 (VCV002735327.4), dbSNP rs1417724907, ClinGen allele CA356173803.

ClinVar aggregate classification (germline): Uncertain significance. Review status: criteria provided, multiple submitters, no conflicts (2 of 4 stars). 2 submissions from 2 submitters: Uncertain significance (2). Last evaluated 2024-03-22.

Conditions:
Autosomal dominant nonsyndromic hearing loss 6 (LFSNHL). Also called: DEAFNESS, AUTOSOMAL DOMINANT 6; DEAFNESS, AUTOSOMAL DOMINANT 14; DEAFNESS, AUTOSOMAL DOMINANT 38; Autosomal dominant nonsyndromic deafness 6. Identifiers: Orphanet 90635, MedGen C1833021, MONDO:0010963, OMIM 600965.
Cataract 41 (CTRCT41). Also called: CATARACT 41, CONGENITAL NUCLEAR TYPE. Identifiers: Orphanet 91492, Orphanet 98991, Orphanet 98992, Orphanet 98995, MedGen C3805412, MONDO:0007287, OMIM 116400.
Wolfram-like syndrome. Also called: HEARING LOSS, PROGRESSIVE, WITH OPTIC ATROPHY AND/OR IMPAIRED GLUCOSE REGULATION. Identifiers: Orphanet 411590, MedGen C3280358, MONDO:0013673, OMIM 614296.
Type 2 diabetes mellitus. Also called: Type II diabetes mellitus. Identifiers: MedGen C0011860, MeSH D003924, MONDO:0005148, OMIM 125853, HP:0005978.
Wolfram syndrome 1 (WFS1). Identifiers: Orphanet 3463, MedGen C4551693, MONDO:0009101, OMIM 222300.

Submissions (2):

Fulgent Genetics
Classification: Uncertain significance for Cataract 41; Type 2 diabetes mellitus; Wolfram syndrome 1; Autosomal dominant nonsyndromic hearing loss 6; Wolfram-like syndrome. Last evaluated: 2024-03-22. Review status: criteria provided, single submitter. Criteria: ACMG Guidelines, 2015. Collection method: clinical testing. Allele origin: germline.

Labcorp Genetics (formerly Invitae), Labcorp
Classification: Uncertain significance. Last evaluated: 2023-07-03. Review status: criteria provided, single submitter. Criteria: Invitae Variant Classification Sherloc (09022015). Collection method: clinical testing. Allele origin: germline.
Comment: In summary, the available evidence is currently insufficient to determine the role of this variant in disease. Therefore, it has been classified as a Variant of Uncertain Significance. Advanced modeling of protein sequence and biophysical properties (such as structural, functional, and spatial information, amino acid conservation, physicochemical variation, residue mobility, and thermodynamic stability) has been performed at Invitae for this missense variant, however the output from this modeling did not meet the statistical confidence thresholds required to predict the impact of this variant on WFS1 protein function. This variant has not been reported in the literature in individuals affected with WFS1-related conditions. This variant is not present in population databases (gnomAD no frequency). This sequence change replaces histidine, which is basic and polar, with aspartic acid, which is acidic and polar, at codon 294 of the WFS1 protein (p.His294Asp).